The following is an entry in ClinVar:

ClinVar aggregate classification (germline): Uncertain significance (1 of 4 stars; one submission).

Allele frequency attached by ClinVar (database versions not stated): gnomAD exomes below 0.00001 and 0.00001; gnomAD 0.00001; ExAC 0.00002; TOPMed 0.00002.
gnomAD v4.1: 7 of 1,613,566 alleles (0.00043%); highest among the groups gnomAD compares: Non-Finnish European, 0.00051%; no homozygotes.

Submission:

Labcorp Genetics (formerly Invitae), Labcorp
Classification: Uncertain significance. Last evaluated: 2021-10-29. Review status: criteria provided, single submitter. Criteria: Invitae Variant Classification Sherloc (09022015). Collection method: clinical testing. Allele origin: germline.
Comment: This sequence change replaces glutamic acid, which is acidic and polar, with valine, which is neutral and non-polar, at codon 18 of the NEUROG3 protein (p.Glu18Val). This variant is present in population databases (rs747663752, gnomAD 0.002%). This variant has not been reported in the literature in individuals affected with NEUROG3-related conditions. Algorithms developed to predict the effect of missense changes on protein structure and function (SIFT, PolyPhen-2, Align-GVGD) all suggest that this variant is likely to be tolerated. Algorithms developed to predict the effect of sequence changes on RNA splicing suggest that this variant may create or strengthen a splice site. In summary, the available evidence is currently insufficient to determine the role of this variant in disease. Therefore, it has been classified as a Variant of Uncertain Significance.

NM_020999.4(NEUROG3):c.53A>T (p.Glu18Val)

Gene: NEUROG3 (neurogenin 3; minus strand). Cytogenetic location: 10q22.1.
Variant type: single nucleotide variant.
Coding change: c.53A>T on transcript NM_020999.4 (MANE Select); coding-DNA position 53, A replaced by T.
Protein change: p.Glu18Val; replaces glutamic acid 18 with valine.
Molecular consequence: missense variant.
Genome position (GRCh38, 1-based): chr10:69,572,991, T>A on the plus strand (A>T on the coding strand, the complement: NEUROG3 is on the minus strand). VCF-style: chr10-69572991-T-A. GRCh37 (hg19) VCF-style: chr10-71332747-T-A.
Other names: short protein forms E18V.
Identifiers: ClinVar variation 1490577 (VCV001490577.3), dbSNP rs747663752, ClinGen allele CA5533791.